The following is an entry in ClinVar:

NM_194454.3(KRIT1):c.*46G>A

Gene: KRIT1 (KRIT1 ankyrin repeat containing; minus strand). Cytogenetic location: 7q21.2.
Variant type: single nucleotide variant.
Coding change: c.*46G>A on transcript NM_194454.3 (MANE Select); 46 bases downstream of the stop codon, G replaced by A.
Molecular consequence: 3 prime UTR variant.
Genome position (GRCh38, 1-based): chr7:92,200,690, C>T on the plus strand (G>A on the coding strand, the complement: KRIT1 is on the minus strand). VCF-style: chr7-92200690-C-T. GRCh37 (hg19) VCF-style: chr7-91830004-C-T.
Other names: c.*46G>A (NM_001013406.2, NM_001350669.1, NM_001350670.1 and 30 more transcripts).
Identifiers: ClinVar variation 911326 (VCV000911326.4), dbSNP rs369227523, ClinGen allele CA4338915.

ClinVar aggregate classification (germline): Conflicting classifications of pathogenicity. Review status: criteria provided, conflicting classifications (1 of 4 stars). 2 submissions from 1 submitter: Uncertain significance (1); Benign (1). Last evaluated 2018-01-13.

Conditions:
Cerebral cavernous malformation (CCM). Also called: CAVERNOUS ANGIOMA, FAMILIAL; CAVERNOUS ANGIOMATOUS MALFORMATIONS; CEREBRAL CAPILLARY MALFORMATIONS; Cerebral cavernous malformations; Cavernous Hemangioma of Brain; Cerebral cavernous hemangioma (type). Identifiers: Orphanet 221061, MedGen C2919945, MONDO:0000820, OMIM 116860, HP:0033522.
Angiokeratoma corporis diffusum with arteriovenous fistulas. Identifiers: MedGen C1838141, MONDO:0010885, OMIM 600419.

Allele frequency attached by ClinVar (database versions not stated): gnomAD exomes 0.00003 and 0.00006; ExAC 0.00006; gnomAD 0.00025 and 0.00029; TOPMed 0.00034; ESP Exome Variant Server 0.00062.
gnomAD v4.1: 75 of 1,231,332 alleles (0.0061%); highest among the groups gnomAD compares: African/African-American, 0.11%; no homozygotes.

Submissions (2):

Illumina Laboratory Services, Illumina
Classification: Uncertain significance for Cerebral cavernous malformation. Last evaluated: 2018-01-13. Review status: criteria provided, single submitter. Criteria: ICSL Variant Classification Criteria 13 December 2019. Collection method: clinical testing. Allele origin: germline.

Illumina Laboratory Services, Illumina
Classification: Benign for Angiokeratoma corporis diffusum with arteriovenous fistulas. Last evaluated: 2018-01-13. Review status: criteria provided, single submitter. Criteria: ICSL Variant Classification Criteria 13 December 2019. Collection method: clinical testing. Allele origin: germline.
Comment: This variant was observed in the ICSL laboratory as part of a predisposition screen in an ostensibly healthy population. It had not been previously curated by ICSL or reported in the Human Gene Mutation Database (HGMD: prior to June 1st, 2018), and was therefore a candidate for classification through an automated scoring system. Utilizing variant allele frequency, disease prevalence and penetrance estimates, and inheritance mode, an automated score was calculated to assess if this variant is too frequent to cause the disease. Based on the score and internal cut-off values, a variant classified as benign is not then subjected to further curation. The score for this variant resulted in a classification of benign for this disease.